The following is an entry in ClinVar:

NM_000053.4(ATP7B):c.3025A>G (p.Ile1009Val)

Gene: ATP7B (ATPase copper transporting beta; minus strand). Cytogenetic location: 13q14.3.
Variant type: single nucleotide variant.
Coding change: c.3025A>G on transcript NM_000053.4 (MANE Select); coding-DNA position 3025, A replaced by G.
Protein change: p.Ile1009Val; replaces isoleucine 1009 with valine.
Molecular consequence: missense variant.
Genome position (GRCh38, 1-based): chr13:51,946,319, T>C on the plus strand (A>G on the coding strand, the complement: ATP7B is on the minus strand). VCF-style: chr13-51946319-T-C. GRCh37 (hg19) VCF-style: chr13-52520455-T-C.
Other names: c.2404A>G, p.Ile802Val (NM_001005918.3); c.2692A>G, p.Ile898Val (NM_001243182.2); c.2791A>G, p.Ile931Val (NM_001330578.2); c.2773A>G, p.Ile925Val (NM_001330579.2); short protein forms I1009V, I802V, I898V, I925V, I931V.
Identifiers: ClinVar variation 1163546 (VCV001163546.7), dbSNP rs2139050369, ClinGen allele CA388031924.

ClinVar aggregate classification (germline): Uncertain significance. Review status: criteria provided, multiple submitters, no conflicts (2 of 4 stars). 3 submissions from 3 submitters: Uncertain significance (3). Last evaluated 2025-06-17.

Conditions:
Inborn genetic diseases. Identifiers: MedGen C0950123, MeSH D030342.
Wilson disease (WND). Also called: Wilson's disease. Identifiers: Orphanet 905, MedGen C0019202, MONDO:0010200, OMIM 277900. Disease mechanism: loss of function.

Submissions (3):

Color Diagnostics, LLC DBA Color Health
Classification: Uncertain significance for Wilson disease. Last evaluated: 2025-06-17. Review status: criteria provided, single submitter. Criteria: ACMG Guidelines, 2015. Collection method: clinical testing. Allele origin: germline.
Comment: This missense variant replaces isoleucine with valine at codon 1009 of the ATP7B protein. Computational prediction is inconclusive regarding the impact of this variant on protein structure and function. To our knowledge, functional studies have not been reported for this variant. This variant has not been reported in individuals affected with ATP7B-related disorders in the literature. This variant has not been identified in the general population by the Genome Aggregation Database (gnomAD). The available evidence is insufficient to determine the role of this variant in disease conclusively. Therefore, this variant is classified as a Variant of Uncertain Significance.

Ambry Genetics
Classification: Uncertain significance for Inborn genetic diseases. Last evaluated: 2025-05-04. Review status: criteria provided, single submitter. Criteria: Ambry Variant Classification Scheme 2023. Collection method: clinical testing. Allele origin: germline.

Mayo Clinic Laboratories, Mayo Clinic
Classification: Uncertain significance. Last evaluated: 2020-02-24. Review status: criteria provided, single submitter. Criteria: ACMG Guidelines, 2015. Collection method: clinical testing. Allele origin: germline. Observed: 1 variant allele.